The following is an entry in ClinVar:

NM_002485.5(NBN):c.1226C>G (p.Thr409Arg)

Gene: NBN (nibrin; minus strand). Cytogenetic location: 8q21.3.
Variant type: single nucleotide variant.
Coding change: c.1226C>G on transcript NM_002485.5 (MANE Select); coding-DNA position 1226, C replaced by G.
Protein change: p.Thr409Arg; replaces threonine 409 with arginine.
Molecular consequence: missense variant.
Genome position (GRCh38, 1-based): chr8:89,955,454, G>C on the plus strand (C>G on the coding strand, the complement: NBN is on the minus strand). VCF-style: chr8-89955454-G-C. GRCh37 (hg19) VCF-style: chr8-90967682-G-C.
Other names: c.980C>G, p.Thr327Arg (NM_001024688.3); short protein forms T327R, T409R.
Identifiers: ClinVar variation 1754297 (VCV001754297.2), dbSNP rs1810665559, ClinGen allele CA371656317.
Genomic context (GRCh38, chr8:89,955,454, plus strand): 5'-TAGTTTGGGATTCTCATCTTAGCCAAAGTATTTGATACCATACTATTATTATTAGAGCTT[G>C]TTTTGCAGGACTCCTTTACAGTGGGTGCATCTTGTGAAAGCATTCTGAATTTTTGTTCCA-3'
Protein context (NP_002476.2, residues 399-419): DAPTVKESCK[Thr409Arg]SSNNNSMVSN

ClinVar aggregate classification (germline): Uncertain significance (1 of 4 stars; one submission).

Conditions:
Hereditary cancer-predisposing syndrome. Also called: Neoplastic Syndromes, Hereditary; Tumor predisposition; Hereditary Cancer Syndrome; Hereditary neoplastic syndrome. Identifiers: Orphanet 140162, MedGen C0027672, MeSH D009386, MONDO:0015356.

Submission:

Ambry Genetics
Classification: Uncertain significance for Hereditary cancer-predisposing syndrome. Last evaluated: 2021-01-08. Review status: criteria provided, single submitter. Criteria: Ambry Variant Classification Scheme 2023. Collection method: clinical testing. Allele origin: germline.
Comment: The p.T409R variant (also known as c.1226C>G), located in coding exon 10 of the NBN gene, results from a C to G substitution at nucleotide position 1226. The threonine at codon 409 is replaced by arginine, an amino acid with similar properties. This amino acid position is not well conserved in available vertebrate species. In addition, this alteration is predicted to be tolerated by in silico analysis. Since supporting evidence is limited at this time, the clinical significance of this alteration remains unclear.